The following is an entry in ClinVar:

NM_000135.4(FANCA):c.2504+2T>C

Gene: FANCA (FA complementation group A; minus strand). Cytogenetic location: 16q24.3.
Variant type: single nucleotide variant.
Coding change: c.2504+2T>C on transcript NM_000135.4 (MANE Select); the canonical splice donor site of the intron after coding-DNA position 2504, T replaced by C.
Molecular consequence: splice donor variant.
Genome position (GRCh38, 1-based): chr16:89,769,835, A>G on the plus strand (T>C on the coding strand, the complement: FANCA is on the minus strand). VCF-style: chr16-89769835-A-G. GRCh37 (hg19) VCF-style: chr16-89836243-A-G.
Other names: c.2504+2T>C (NM_001286167.3).
Identifiers: ClinVar variation 974038 (VCV000974038.1), dbSNP rs2039260502, ClinGen allele CA397442926.

ClinVar aggregate classification (germline): Pathogenic (0 of 4 stars; one submission).

Conditions:
Fanconi anemia complementation group A (FANCA). Also called: Fanconi anemia, group A; FANCA-Related Fanconi Anemia. Identifiers: Orphanet 84, MedGen C3469521, MONDO:0009215, OMIM 227650.

Submission:

Leiden Open Variation Database
Classification: Pathogenic for Fanconi anemia complementation group A. Last evaluated: 2020-02-28. Review status: no assertion criteria provided. Collection method: curation. Allele origin: germline. Affected: yes.
Comment: Curator: Arleen D. Auerbach. Submitter to LOVD: Arleen D. Auerbach.

Literature cited by the submitters: PubMed 12955722.